The following is an entry in ClinVar:

NM_001105206.3(LAMA4):c.3687del (p.Asp1230fs)

Gene: LAMA4 (laminin subunit alpha 4; minus strand). Cytogenetic location: 6q21.
Variant type: Deletion.
Coding change: c.3687del on transcript NM_001105206.3 (MANE Select); coding-DNA position 3687, one base deleted (A; older notation c.3687delA).
Protein change: p.Asp1230fs; shifts the reading frame from aspartic acid 1230.
Molecular consequence: frameshift variant.
Genome position (GRCh38, 1-based): chr6:112,133,358, T deleted on the plus strand (A on the coding strand, the reverse complement: LAMA4 is on the minus strand); the first of 2 consecutive T bases (chr6:112,133,358-112,133,359); deleting either gives the same sequence. VCF-style (leftmost placement, unchanged base first): chr6-112133357-CT-C. GRCh37 (hg19) VCF-style: chr6-112454559-CT-C.
Other names: c.3666del, p.Asp1223fs (NM_001105207.3, NM_002290.5); short protein forms D1223fs, D1230fs.
Identifiers: ClinVar variation 1054052 (VCV001054052.7), dbSNP rs2114659713, ClinGen allele CA2499218037.
Genomic context (GRCh38, chr6:112,133,357, plus strand): 5'-AGAGTGATAAGTATTGTGTCTATTAAAAAGCTTTTGACTGAGTGGTTCTTACAAGTGAGT[CT>C]TCTGGGCATCCATAACCAACTCCCAGGGTTTCTGTCTGCTCCAGTAAATTGAAGTCCTTC-3'

ClinVar aggregate classification (germline): Uncertain significance (1 of 4 stars; one submission).

Conditions:
Dilated cardiomyopathy 1JJ (CMD1JJ). Identifiers: Orphanet 154, MedGen C3808935, MONDO:0014095, OMIM 615235.

Submission:

Labcorp Genetics (formerly Invitae), Labcorp
Classification: Uncertain significance for Dilated cardiomyopathy 1JJ. Last evaluated: 2022-03-19. Review status: criteria provided, single submitter. Criteria: Invitae Variant Classification Sherloc (09022015). Collection method: clinical testing. Allele origin: germline.
Comment: In summary, the available evidence is currently insufficient to determine the role of this variant in disease. Therefore, it has been classified as a Variant of Uncertain Significance. ClinVar contains an entry for this variant (Variation ID: 1054052). This variant has not been reported in the literature in individuals affected with LAMA4-related conditions. This variant is not present in population databases (gnomAD no frequency). This sequence change creates a premature translational stop signal (p.Asp1223Thrfs*66) in the LAMA4 gene. It is expected to result in an absent or disrupted protein product. However, the current clinical and genetic evidence is not sufficient to establish whether loss-of-function variants in LAMA4 cause disease.